The following is an entry in ClinVar:

NM_001367916.1(MAGT1):c.604C>T (p.Leu202Phe)

Gene: MAGT1 (magnesium transporter 1; minus strand). Cytogenetic location: Xq21.1.
Variant type: single nucleotide variant.
Coding change: c.604C>T on transcript NM_001367916.1 (MANE Select); coding-DNA position 604, C replaced by T.
Protein change: p.Leu202Phe; replaces leucine 202 with phenylalanine.
Molecular consequence: missense variant.
Genome position (GRCh38, 1-based): chrX:77,856,801, G>A on the plus strand (C>T on the coding strand, the complement: MAGT1 is on the minus strand). VCF-style: chrX-77856801-G-A. GRCh37 (hg19) VCF-style: chrX-77112298-G-A.
Other names: c.700C>T, p.Leu234Phe (NM_032121.5); short protein forms L234F, L202F.
Identifiers: ClinVar variation 1368831 (VCV001368831.8), dbSNP rs782090522, ClinGen allele CA10458496.

ClinVar aggregate classification (germline): Uncertain significance (1 of 4 stars; one submission).

Conditions:
X-linked immunodeficiency with magnesium defect, Epstein-Barr virus infection and neoplasia. Identifiers: Orphanet 317476, MedGen C3275445, MONDO:0010455, OMIM 300853.

Allele frequency attached by ClinVar (database versions not stated): gnomAD exomes below 0.00001 and 0.00001; ExAC 0.00001.

Submission:

Labcorp Genetics (formerly Invitae), Labcorp
Classification: Uncertain significance for X-linked immunodeficiency with magnesium defect, Epstein-Barr virus infection and neoplasia. Last evaluated: 2022-06-20. Review status: criteria provided, single submitter. Criteria: Invitae Variant Classification Sherloc (09022015). Collection method: clinical testing. Allele origin: germline.
Comment: This sequence change replaces leucine, which is neutral and non-polar, with phenylalanine, which is neutral and non-polar, at codon 234 of the MAGT1 protein (p.Leu234Phe). This variant is present in population databases (rs782090522, gnomAD 0.001%), including at least one homozygous and/or hemizygous individual. This variant has not been reported in the literature in individuals affected with MAGT1-related conditions. Algorithms developed to predict the effect of missense changes on protein structure and function (SIFT, PolyPhen-2, Align-GVGD) all suggest that this variant is likely to be tolerated. In summary, the available evidence is currently insufficient to determine the role of this variant in disease. Therefore, it has been classified as a Variant of Uncertain Significance.